The following is an entry in ClinVar:

NM_000016.6(ACADM):c.3G>C (p.Met1Ile)

Gene: ACADM (acyl-CoA dehydrogenase medium chain; plus strand). Cytogenetic location: 1p31.1.
Variant type: single nucleotide variant.
Coding change: c.3G>C on transcript NM_000016.6 (MANE Select); coding-DNA position 3, G replaced by C.
Protein change: p.Met1Ile; changes the start codon (methionine 1).
Molecular consequence: missense variant, initiator codon variant. On other transcripts: 5 prime UTR variant (2).
Genome position (GRCh38, 1-based): chr1:75,724,790, G>C. VCF-style: chr1-75724790-G-C. GRCh37 (hg19) VCF-style: chr1-76190475-G-C.
Other names: c.3G>C, p.Met1Ile (NM_001127328.3, NM_001286043.2); c.-18G>C (NM_001286042.2); c.-295G>C (NM_001286044.2); short protein forms M1I.
Identifiers: ClinVar variation 555765 (VCV000555765.42), dbSNP rs1553121887, ClinGen allele CA340805656.

ClinVar aggregate classification (germline): Pathogenic/Likely pathogenic. Review status: criteria provided, multiple submitters, no conflicts (2 of 4 stars). 4 submissions from 4 submitters: Pathogenic (2); Likely pathogenic (1). 1 of the submissions does not count toward it. Last evaluated 2024-11-25.

Conditions:
Medium-chain acyl-coenzyme A dehydrogenase deficiency (ACADMD). Also called: CARNITINE DEFICIENCY SECONDARY TO MEDIUM-CHAIN ACYL-CoA DEHYDROGENASE DEFICIENCY; MCADH DEFICIENCY; MCADD; Medium chain acyl-CoA dehydrogenase deficiency; MCAD Deficiency; ACADM DEFICIENCY. Identifiers: Orphanet 42, MedGen C0220710, MONDO:0008721, OMIM 201450.

Submissions (4):

GeneDx
Classification: Pathogenic. Last evaluated: 2024-11-25. Review status: criteria provided, single submitter. Criteria: GeneDx Variant Classification Process June 2021. Collection method: clinical testing. Allele origin: germline. Affected: yes.
Comment: Has not been previously published as pathogenic or benign to our knowledge; Not observed at significant frequency in large population cohorts (gnomAD); Initiation codon variant in a gene for which loss of function is a known mechanism of disease

CeGaT Center for Human Genetics Tuebingen
Classification: Likely pathogenic. Last evaluated: 2022-12-01. Review status: criteria provided, single submitter. Criteria: CeGaT Center For Human Genetics Tuebingen Variant Classification Criteria Version 2. Collection method: clinical testing. Allele origin: germline. Affected: yes. Observed: 1 variant allele.
Comment: ACADM: PM2, PM3, PVS1:Moderate

Labcorp Genetics (formerly Invitae), Labcorp
Classification: Pathogenic for Medium-chain acyl-coenzyme A dehydrogenase deficiency. Last evaluated: 2022-09-09. Review status: criteria provided, single submitter. Criteria: Invitae Variant Classification Sherloc (09022015). Collection method: clinical testing. Allele origin: germline.
Comment: For these reasons, this variant has been classified as Pathogenic. ClinVar contains an entry for this variant (Variation ID: 555765). Disruption of the initiator codon has been observed in individual(s) with medium-chain acyl-coenzyme A dehydrogenase deficiency (PMID: 23028790, 30675864). In at least one individual the data is consistent with being in trans (on the opposite chromosome) from a pathogenic variant. This variant is not present in population databases (gnomAD no frequency). This sequence change affects the initiator methionine of the ACADM mRNA. The next in-frame methionine is located at codon 87.

Counsyl
Classification: Likely pathogenic for Medium-chain acyl-coenzyme A dehydrogenase deficiency. Last evaluated: 2017-12-29. Review status: no assertion criteria provided. Collection method: clinical testing. Allele origin: unknown. Not counted in ClinVar's aggregate classification.

Literature cited by the submitters: PubMed 23028790 (cited by Labcorp Genetics (formerly Invitae), Labcorp); PubMed 30675864 (cited by Labcorp Genetics (formerly Invitae), Labcorp).